The following is an entry in ClinVar:

ClinVar aggregate classification (germline): Benign/Likely benign. Review status: criteria provided, multiple submitters, no conflicts (2 of 4 stars). 5 submissions from 5 submitters: Benign (1); Likely benign (4). Last evaluated 2026-07-14.

Conditions:
SMARCA4-related disorder. Also called: SMARCA4-related condition.
Hereditary cancer-predisposing syndrome. Also called: Hereditary Cancer Syndrome; Hereditary neoplastic syndrome; Neoplastic Syndromes, Hereditary; Tumor predisposition. Identifiers: Orphanet 140162, MedGen C0027672, MeSH D009386, MONDO:0015356.
Rhabdoid tumor predisposition syndrome 2 (RTPS2). Identifiers: Orphanet 231108, Orphanet 69077, MedGen C2750074, MONDO:0013224, OMIM 613325.

Allele frequency attached by ClinVar (database versions not stated): gnomAD 0.00005 and 0.00006; gnomAD exomes 0.00001 and 0.00004; TOPMed 0.00004.
gnomAD v4.1: 24 of 1,612,544 alleles (0.0015%); highest among the groups gnomAD compares: Admixed American, 0.017%; no homozygotes.

Submissions (5):

Myriad Genetics, Inc.
Classification: Benign for Rhabdoid tumor predisposition syndrome 2. Last evaluated: 2026-07-14. Review status: criteria provided, single submitter. Criteria: Myriad Autosomal Dominant, Autosomal Recessive and X-Linked Classification Criteria (2023). Collection method: clinical testing. Allele origin: unknown.
Comment: This variant is considered benign. This variant is a silent/synonymous amino acid change and it is not expected to impact splicing.

Labcorp Genetics (formerly Invitae), Labcorp
Classification: Likely benign for Rhabdoid tumor predisposition syndrome 2. Last evaluated: 2026-01-13. Review status: criteria provided, single submitter. Criteria: Invitae Variant Classification Sherloc (09022015). Collection method: clinical testing. Allele origin: germline.

PreventionGenetics, part of Exact Sciences
Classification: Likely benign for SMARCA4-related condition. Last evaluated: 2024-10-13. Review status: criteria provided, single submitter. Criteria: ACMG Guidelines, 2015. Collection method: clinical testing. Allele origin: germline.
Comment: This variant is classified as likely benign based on ACMG/AMP sequence variant interpretation guidelines (Richards et al. 2015 PMID: 25741868, with internal and published modifications).

GeneDx
Classification: Likely benign. Last evaluated: 2020-01-20. Review status: criteria provided, single submitter. Criteria: GeneDx Variant Classification Process June 2021. Collection method: clinical testing. Allele origin: germline. Affected: yes.

Ambry Genetics
Classification: Likely benign for Hereditary cancer-predisposing syndrome. Last evaluated: 2015-12-18. Review status: criteria provided, single submitter. Criteria: Ambry Variant Classification Scheme 2023. Collection method: clinical testing. Allele origin: germline.

NM_003072.5(SMARCA4):c.2994C>T (p.Cys998=)

Gene: SMARCA4 (SWI/SNF related BAF chromatin remodeling complex subunit ATPase 4; plus strand). Cytogenetic location: 19p13.2.
Variant type: single nucleotide variant.
Coding change: c.2994C>T on transcript NM_003072.5 (MANE Select); coding-DNA position 2994, C replaced by T.
Protein change: p.Cys998=; no amino-acid change (cysteine 998 retained).
Molecular consequence: synonymous variant. On other transcripts: non-coding transcript variant (1).
Genome position (GRCh38, 1-based): chr19:11,024,351, C>T. VCF-style: chr19-11024351-C-T. GRCh37 (hg19) VCF-style: chr19-11135027-C-T.
Other names: c.2994C>T, p.Cys998= (NM_001128844.3, NM_001128845.2, NM_001128846.2 and 5 more transcripts).
Identifiers: ClinVar variation 391821 (VCV000391821.20), dbSNP rs1028929208, ClinGen allele CA16608058.
Genomic context (GRCh38, chr19:11,024,351, plus strand): 5'-GCCACCTTGGGCCCTCGTGAGCATTATGTGTCCCCTGCAGGTGGAGTACGTCATCAAGTG[C>T]GACATGTCTGCGCTGCAGCGAGTGCTCTACCGCCACATGCAGGCCAAGGGCGTGCTGCTG-3'
Protein context (NP_003063.2, residues 988-1008): LPEKVEYVIK[Cys998=]DMSALQRVLY